The following is an entry in ClinVar:

NM_052867.4(NALCN):c.2579C>T (p.Ala860Val)

Gene: NALCN (sodium leak channel, non-selective; minus strand). Cytogenetic location: 13q33.1.
Variant type: single nucleotide variant.
Coding change: c.2579C>T on transcript NM_052867.4 (MANE Select); coding-DNA position 2579, C replaced by T.
Protein change: p.Ala860Val; replaces alanine 860 with valine.
Molecular consequence: missense variant.
Genome position (GRCh38, 1-based): chr13:101,107,487, G>A on the plus strand (C>T on the coding strand, the complement: NALCN is on the minus strand). VCF-style: chr13-101107487-G-A. GRCh37 (hg19) VCF-style: chr13-101759838-G-A.
Other names: c.2666C>T, p.Ala889Val (NM_001350748.2); c.2579C>T, p.Ala860Val (NM_001350749.2); c.2492C>T, p.Ala831Val (NM_001350750.2, NM_001350751.2); short protein forms A831V, A860V, A889V.
Identifiers: ClinVar variation 1212417 (VCV001212417.14), dbSNP rs186621340, ClinGen allele CA7035661.

ClinVar aggregate classification (germline): Uncertain significance. Review status: criteria provided, multiple submitters, no conflicts (2 of 4 stars). 4 submissions from 4 submitters: Uncertain significance (4). Last evaluated 2026-02-20.

Conditions:
Inborn genetic diseases. Identifiers: MedGen C0950123, MeSH D030342.

Allele frequency attached by ClinVar (database versions not stated): gnomAD exomes 0.00005 and 0.00010; ExAC 0.00009; TOPMed 0.00012; gnomAD 0.00019 and 0.00021; 1000 Genomes Project 30x 0.00078; 1000 Genomes Project 0.00080.
gnomAD v4.1: 112 of 1,614,020 alleles (0.0069%); highest among the groups gnomAD compares: African/African-American, 0.043%; no homozygotes.

Submissions (4):

Ambry Genetics
Classification: Uncertain significance for Inborn genetic diseases. Last evaluated: 2026-02-20. Review status: criteria provided, single submitter. Criteria: Ambry Variant Classification Scheme 2023. Collection method: clinical testing. Allele origin: germline.
Comment: The c.2579C>T (p.A860V) alteration is located in exon 22 (coding exon 21) of the NALCN gene. This alteration results from a C to T substitution at nucleotide position 2579, causing the alanine (A) at amino acid position 860 to be replaced by a valine (V). Based on data from gnomAD, the T allele has an overall frequency of 0.012% (34/282626) total alleles studied. The highest observed frequency was 0.068% (17/24968) of African alleles. Based on insufficient or conflicting evidence, the clinical significance of this alteration remains unclear.

Labcorp Genetics (formerly Invitae), Labcorp
Classification: Uncertain significance. Last evaluated: 2025-12-23. Review status: criteria provided, single submitter. Criteria: Invitae Variant Classification Sherloc (09022015). Collection method: clinical testing. Allele origin: germline.
Comment: This sequence change replaces alanine, which is neutral and non-polar, with valine, which is neutral and non-polar, at codon 860 of the NALCN protein (p.Ala860Val). This variant is present in population databases (rs186621340, gnomAD 0.07%). This variant has not been reported in the literature in individuals affected with NALCN-related conditions. ClinVar contains an entry for this variant (Variation ID: 1212417). An algorithm developed to predict the effect of missense changes on protein structure and function outputs the following: PolyPhen-2: "Benign". The valine amino acid residue is found in multiple mammalian species, which suggests that this missense change does not adversely affect protein function. In summary, the available evidence is currently insufficient to determine the role of this variant in disease. Therefore, it has been classified as a Variant of Uncertain Significance.

GeneDx
Classification: Uncertain significance. Last evaluated: 2024-01-25. Review status: criteria provided, single submitter. Criteria: GeneDx Variant Classification Process June 2021. Collection method: clinical testing. Allele origin: germline. Affected: yes.
Comment: In silico analysis supports that this missense variant does not alter protein structure/function; Has not been previously published as pathogenic or benign to our knowledge

Breakthrough Genomics
Classification: Uncertain significance. Review status: criteria provided, single submitter. Criteria: ACMG Guidelines, 2015. Collection method: not provided. Allele origin: germline. Inheritance: Autosomal recessive inheritance. Affected: yes.